The following is an entry in ClinVar:

ClinVar aggregate classification (germline): Uncertain significance. Review status: criteria provided, multiple submitters, no conflicts (2 of 4 stars). 2 submissions from 2 submitters: Uncertain significance (2). Last evaluated 2026-05-24.

Conditions:
Cardiovascular phenotype. Identifiers: MedGen CN230736.
Lethal congenital glycogen storage disease of heart. Also called: GLYCOGEN STORAGE DISEASE OF HEART; PHOSPHORYLASE KINASE DEFICIENCY OF HEART. Identifiers: Orphanet 439854, MedGen C1849813, MONDO:0009867, OMIM 261740.

gnomAD v4.1: 1 of 1,614,018 alleles (0.000062%); highest among the groups gnomAD compares: Non-Finnish European, 0.000085%; no homozygotes.

Submissions (2):

Ambry Genetics
Classification: Uncertain significance for Cardiovascular phenotype. Last evaluated: 2026-05-24. Review status: criteria provided, single submitter. Criteria: Ambry Variant Classification Scheme 2023. Collection method: clinical testing. Allele origin: germline.
Comment: The p.R120P variant (also known as c.359G>C), located in coding exon 3 of the PRKAG2 gene, results from a G to C substitution at nucleotide position 359. The arginine at codon 120 is replaced by proline, an amino acid with dissimilar properties. This amino acid position is conserved. In addition, this alteration is predicted to be deleterious by in silico analysis. Based on the available evidence, the clinical significance of this variant remains unclear.

Labcorp Genetics (formerly Invitae), Labcorp
Classification: Uncertain significance for Lethal congenital glycogen storage disease of heart. Last evaluated: 2019-03-05. Review status: criteria provided, single submitter. Criteria: Invitae Variant Classification Sherloc (09022015). Collection method: clinical testing. Allele origin: germline.
Comment: In summary, the available evidence is currently insufficient to determine the role of this variant in disease. Therefore, it has been classified as a Variant of Uncertain Significance. Algorithms developed to predict the effect of missense changes on protein structure and function are either unavailable or do not agree on the potential impact of this missense change (SIFT: "Tolerated"; PolyPhen-2: "Probably Damaging"; Align-GVGD: "Class C0"). This variant has not been reported in the literature in individuals with PRKAG2-related conditions. This variant is not present in population databases (ExAC no frequency). This sequence change replaces arginine with proline at codon 120 of the PRKAG2 protein (p.Arg120Pro). The arginine residue is moderately conserved and there is a moderate physicochemical difference between arginine and proline.

NM_016203.4(PRKAG2):c.359G>C (p.Arg120Pro)

Gene: PRKAG2 (protein kinase AMP-activated non-catalytic subunit gamma 2; minus strand). Cytogenetic location: 7q36.1.
Variant type: single nucleotide variant.
Coding change: c.359G>C on transcript NM_016203.4 (MANE Select); coding-DNA position 359, G replaced by C.
Protein change: p.Arg120Pro; replaces arginine 120 with proline.
Molecular consequence: missense variant.
Genome position (GRCh38, 1-based): chr7:151,781,259, C>G on the plus strand (G>C on the coding strand, the complement: PRKAG2 is on the minus strand). VCF-style: chr7-151781259-C-G. GRCh37 (hg19) VCF-style: chr7-151478345-C-G.
Other names: c.227G>C, p.Arg76Pro (NM_001040633.2); short protein forms R120P, R76P.
Identifiers: ClinVar variation 854779 (VCV000854779.10), dbSNP rs775756069, ClinGen allele CA370069591.
Genomic context (GRCh38, chr7:151,781,259, plus strand): 5'-GGGTTGGAGTTGGGGGAAGACTCTTTGGAGGAGGAGCGGAAGATCCCACTGAAGCTCATG[C>G]GTCGAGGGGAGCGTGGCGGGGACTCCTGGTAGGAGAACGGGAACACGGTTTTGGGAGAGC-3'
Protein context (NP_057287.2, residues 110-130): YQESPPRSPR[Arg120Pro]MSFSGIFRSS